The following is an entry in ClinVar:

NM_006389.5(HYOU1):c.2332G>A (p.Ala778Thr)

Gene: HYOU1 (hypoxia up-regulated 1; minus strand). Cytogenetic location: 11q23.3.
Variant type: single nucleotide variant.
Coding change: c.2332G>A on transcript NM_006389.5 (MANE Select); coding-DNA position 2332, G replaced by A.
Protein change: p.Ala778Thr; replaces alanine 778 with threonine.
Molecular consequence: missense variant.
Genome position (GRCh38, 1-based): chr11:119,048,292, C>T on the plus strand (G>A on the coding strand, the complement: HYOU1 is on the minus strand). VCF-style: chr11-119048292-C-T. GRCh37 (hg19) VCF-style: chr11-118919004-C-T.
Other names: c.2332G>A, p.Ala778Thr (NM_001130991.3); c.2332G>A (NM_006389.3); short protein forms A778T.
Identifiers: ClinVar variation 1513792 (VCV001513792.9), dbSNP rs782654390, ClinGen allele CA229618566.

ClinVar aggregate classification (germline): Conflicting classifications of pathogenicity. Review status: criteria provided, conflicting classifications (1 of 4 stars). 2 submissions from 2 submitters: Uncertain significance (1); Likely benign (1). Last evaluated 2025-12-02.

Allele frequency attached by ClinVar (database versions not stated): gnomAD 0.00003 and 0.00004; gnomAD exomes 0.00006.

Submissions (2):

Labcorp Genetics (formerly Invitae), Labcorp
Classification: Uncertain significance. Last evaluated: 2025-12-02. Review status: criteria provided, single submitter. Criteria: Invitae Variant Classification Sherloc (09022015). Collection method: clinical testing. Allele origin: germline.
Comment: This sequence change replaces alanine, which is neutral and non-polar, with threonine, which is neutral and polar, at codon 778 of the HYOU1 protein (p.Ala778Thr). This variant is present in population databases (rs782654390, gnomAD 0.006%). This variant has not been reported in the literature in individuals affected with HYOU1-related conditions. ClinVar contains an entry for this variant (Variation ID: 1513792). An algorithm developed to predict the effect of missense changes on protein structure and function outputs the following: PolyPhen-2: "Benign". The threonine amino acid residue is found in multiple mammalian species, which suggests that this missense change does not adversely affect protein function. In summary, the available evidence is currently insufficient to determine the role of this variant in disease. Therefore, it has been classified as a Variant of Uncertain Significance.

Ambry Genetics
Classification: Likely benign. Last evaluated: 2023-06-29. Review status: criteria provided, single submitter. Criteria: Ambry Variant Classification Scheme 2023. Collection method: clinical testing. Allele origin: germline.